The following is an entry in ClinVar:

NM_000059.4(BRCA2):c.5759T>G (p.Val1920Gly)

Gene: BRCA2 (BRCA2 DNA repair associated; plus strand). Cytogenetic location: 13q13.1.
Variant type: single nucleotide variant.
Coding change: c.5759T>G on transcript NM_000059.4 (MANE Select); coding-DNA position 5759, T replaced by G.
Protein change: p.Val1920Gly; replaces valine 1920 with glycine.
Molecular consequence: missense variant. On other transcripts: non-coding transcript variant (1), intron variant (2).
Genome position (GRCh38, 1-based): chr13:32,340,114, T>G. VCF-style: chr13-32340114-T-G. GRCh37 (hg19) VCF-style: chr13-32914251-T-G.
Other names: c.5759T>G, p.Val1920Gly (NM_001406719.1, NM_001406720.1); c.1910-4444T>G (NM_001406721.1); c.425-4444T>G (NM_001406722.1); short protein forms V1920G.
Identifiers: ClinVar variation 2789575 (VCV002789575.4), dbSNP rs2137520635, ClinGen allele CA387787063.
Genomic context (GRCh38, chr13:32,340,114, plus strand): 5'-CAGAGGATATTCTTCATAACTCTCTAGATAATGATGAATGTAGCACGCATTCACATAAGG[T>G]TTTTGCTGACATTCAGAGTGAAGAAATTTTACAACATAACCAAAATATGTCTGGATTGGA-3'
Protein context (NP_000050.3, residues 1910-1930): NDECSTHSHK[Val1920Gly]FADIQSEEIL

ClinVar aggregate classification (germline): Uncertain significance. Review status: criteria provided, multiple submitters, no conflicts (2 of 4 stars). 2 submissions from 2 submitters: Uncertain significance (2). Last evaluated 2026-05-19.

Conditions:
Hereditary breast ovarian cancer syndrome. Also called: BRCA1- and BRCA2-Associated Hereditary Breast and Ovarian Cancer; Hereditary breast and ovarian cancer syndrome; Breast and ovarian cancer; Hereditary breast and/or ovarian cancer syndrome; Hereditary breast and ovarian cancer syndrome (HBOC); Hereditary breast and ovarian cancer. Identifiers: Orphanet 145, MedGen C0677776, MeSH D061325, MONDO:0003582. Disease mechanism: loss of function.
Hereditary cancer-predisposing syndrome. Also called: Tumor predisposition; Hereditary neoplastic syndrome; Neoplastic Syndromes, Hereditary; Hereditary Cancer Syndrome. Identifiers: Orphanet 140162, MedGen C0027672, MeSH D009386, MONDO:0015356.

Allele frequency attached by ClinVar (database versions not stated): gnomAD exomes below 0.00001.
gnomAD v4.1: 4 of 1,613,590 alleles (0.00025%); highest among the groups gnomAD compares: Non-Finnish European, 0.00034%; no homozygotes.

Submissions (2):

Ambry Genetics
Classification: Uncertain significance for Hereditary cancer-predisposing syndrome. Last evaluated: 2026-05-19. Review status: criteria provided, single submitter. Criteria: Ambry Variant Classification Scheme 2023. Collection method: clinical testing. Allele origin: germline.
Comment: The p.V1920G variant (also known as c.5759T>G), located in coding exon 10 of the BRCA2 gene, results from a T to G substitution at nucleotide position 5759. The valine at codon 1920 is replaced by glycine, an amino acid with dissimilar properties. This amino acid position is not well conserved in available vertebrate species. In addition, this alteration is predicted to be tolerated by in silico analysis. Based on the available evidence, the clinical significance of this variant remains unclear.

Labcorp Genetics (formerly Invitae), Labcorp
Classification: Uncertain significance for Hereditary breast ovarian cancer syndrome. Last evaluated: 2023-10-18. Review status: criteria provided, single submitter. Criteria: Invitae Variant Classification Sherloc (09022015). Collection method: clinical testing. Allele origin: germline.
Comment: This sequence change replaces valine, which is neutral and non-polar, with glycine, which is neutral and non-polar, at codon 1920 of the BRCA2 protein (p.Val1920Gly). This variant is not present in population databases (gnomAD no frequency). This variant has not been reported in the literature in individuals affected with BRCA2-related conditions. Advanced modeling of protein sequence and biophysical properties (such as structural, functional, and spatial information, amino acid conservation, physicochemical variation, residue mobility, and thermodynamic stability) performed at Invitae indicates that this missense variant is not expected to disrupt BRCA2 protein function. In summary, the available evidence is currently insufficient to determine the role of this variant in disease. Therefore, it has been classified as a Variant of Uncertain Significance.